The following is an entry in ClinVar:

ClinVar aggregate classification (germline): Pathogenic. Review status: criteria provided, multiple submitters, no conflicts (2 of 4 stars). 5 submissions from 5 submitters: Pathogenic (5). Last evaluated 2025-07-29.

Conditions:
beta Thalassemia (BTHAL). Also called: Cooley's anemia; Erythroblastic anemia; Mediterranean anemia. Identifiers: Orphanet 848, MedGen C0005283, MONDO:0019402. Disease mechanism: loss of function.
HBB-related disorder. Also called: HBB-related disorders; HBB-related condition. Identifiers: MedGen CN239378.

Submissions (5):

PreventionGenetics, part of Exact Sciences
Classification: Pathogenic for HBB-related condition. Last evaluated: 2025-07-29. Review status: criteria provided, single submitter. Criteria: ACMG Guidelines, 2015. Collection method: clinical testing. Allele origin: germline.
Comment: The HBB c.380_396del17 variant is predicted to result in a frameshift and premature protein termination (p.Val127Glufs*8). This variant, also referred to as Hb Westdale, has been reported in the compound heterozygous state in individuals with beta thalassemia (with HbE, Waye et al. 1995. PubMed ID: 8535446; with HbS, Dehury et al. 2019. PubMed ID: 31190580). This variant is reported in 0.0033% of alleles in individuals of South Asian descent in gnomAD. Frameshift variants in HBB are expected to be pathogenic. This variant is interpreted as pathogenic.

ARUP Laboratories, Molecular Genetics and Genomics, ARUP Laboratories
Classification: Pathogenic. Last evaluated: 2025-04-08. Review status: criteria provided, single submitter. Criteria: ARUP Molecular Germline Variant Investigation Process 2024. Collection method: clinical testing. Allele origin: germline.
Comment: The HBB variant c.380_396del, p.Val127GlufsTer8 (also known as Hb Westdale, rs750606223, HbVar ID: 958, ClinVar variation ID: 1459872) is reported in the literature in compound heterozygous individuals who also carried either Hb S or Hb E in trans affected with severe anemia, some of whom required transfusions (Dehury 2019, Waye 1995). Additionally homozygous individuals have been reported with beta thalassemia major (HbVar database, Tripathi 2020). This variant is only observed on one allele in the Genome Aggregation Database (v2.1.1), indicating it is not a common polymorphism. This variant results in a premature termination codon in the last exon of the HBB gene. While this may not lead to nonsense-mediated decay, it is expected to create a truncated HBB protein. Based on available information, this variant is considered to be pathogenic. References: Link to HbVar database: Dehury S et al. Compound Heterozygote of Hb S (HBB: c.20A>T)/Hb Westdale (HBB: c.380_396delTGCAGGCTGCCTATCAG): Report of Four Cases from Odisha State, India. Hemoglobin. 2019 Mar;43(2):132-136. PMID: 31190580. Tripathi P et al. Biallelic rare 17 bp deletion mutation (HBB:c.380_396 del TGCAGGCTGCCTATCAG) in a transfusion depended form of thalassemia. Ann Hematol. 2020 Nov;99(11):2719-2722. PMID: 32296912. Waye JS et al. Novel seventeen basepair deletion in exon 3 of the beta-globin gene. Hum Mutat. 1995;6(3):252-3. PMID: 8535446.

Women's Health and Genetics/Laboratory Corporation of America, LabCorp
Classification: Pathogenic for beta Thalassemia. Last evaluated: 2024-06-07. Review status: criteria provided, single submitter. Criteria: LabCorp Variant Classification Summary - May 2015. Collection method: clinical testing. Allele origin: germline.
Comment: Variant summary: HBB c.380_396del17 (p.Val127GlufsX8) results in a premature termination codon, predicted to cause a truncation of the encoded protein or absence of the protein. The variant allele was found at a frequency of 4e-06 in 251350 control chromosomes. c.380_396del17 has been reported in the literature in multiple individuals affected with autosomal recessive beta-thalassemia (examples: Waye_1995, Dehury_2019, Tripathi_2020). These data indicate that the variant is very likely to be associated with disease. The following publications have been ascertained in the context of this evaluation (PMID: 31190580, 32296912, 8535446). ClinVar contains an entry for this variant (Variation ID: 1459872). Based on the evidence outlined above, the variant was classified as pathogenic.

Natera, Inc.
Classification: Pathogenic for Beta thalassemia. Last evaluated: 2024-05-24. Review status: criteria provided, single submitter. Criteria: Natera Variant Classification Schema (03/2026). Collection method: clinical testing. Allele origin: germline.
Comment: The c.380_396delTGCAGGCTGCCTATCAG variant in HBB is a frameshift variant predicted to shift the reading frame beginning at codon 127 and leads to a stop codon 8 codons downstream. This variant is expected to result in nonsense mediated decay, truncation, or a dysfunctional protein product. This variant is rare in the general population with a frequency below the threshold expected for the associated phenotype(s). This variant has been observed in one or more individuals affected with the associated recessive disease, as either homozygous or compound heterozygous with a second variant (PMID: 32296912, 31190580). Given the available evidence, this variant is classified as Pathogenic.

Labcorp Genetics (formerly Invitae), Labcorp
Classification: Pathogenic. Last evaluated: 2021-01-21. Review status: criteria provided, single submitter. Criteria: Invitae Variant Classification Sherloc (09022015). Collection method: clinical testing. Allele origin: germline.
Comment: For these reasons, this variant has been classified as Pathogenic. This variant has been observed in individual(s) with autosomal recessive beta-thalassemia (PMID: 8535446, 31190580). This variant is also known as Hb Westdale. The frequency data for this variant in the population databases is considered unreliable, as metrics indicate poor data quality at this position in the ExAC database. This sequence change creates a premature translational stop signal (p.Val127Glufs*8) in the HBB gene. While this is not anticipated to result in nonsense mediated decay, it is expected to disrupt the last 21 amino acid(s) of the HBB protein.

Literature cited by the submitters: PubMed 31190580 (cited by 3 submitters); PubMed 32296912 (cited by Women's Health and Genetics/Laboratory Corporation of America, LabCorp and Natera, Inc.); PubMed 8535446 (cited by Women's Health and Genetics/Laboratory Corporation of America, LabCorp and Labcorp Genetics (formerly Invitae), Labcorp).

NM_000518.5(HBB):c.380_396del (p.Val127fs)

Genes: HBB (hemoglobin subunit beta; minus strand), LOC107133510 (origin of replication at HBB; plus strand), LOC110006319 (beta-globin gene 3' regulatory region; plus strand). Cytogenetic location: 11p15.4.
Variant type: Deletion.
Coding change: c.380_396del on transcript NM_000518.5 (MANE Select); coding-DNA positions 380 to 396, 17 bases deleted (TGCAGGCTGCCTATCAG).
Protein change: p.Val127fs; shifts the reading frame from valine 127.
Molecular consequence: frameshift variant.
Genome position (GRCh38, 1-based): chr11:5,225,646-5,225,662, CTGATAGGCAGCCTGCA deleted on the plus strand (TGCAGGCTGCCTATCAG on the coding strand, the reverse complement: HBB is on the minus strand); deleting any 17 consecutive bases within chr11:5,225,646-5,225,665 gives the same sequence; the c. name uses the placement nearest the transcript's 3' end. VCF-style (leftmost placement, unchanged base first): chr11-5225645-TCTGATAGGCAGCCTGCA-T. GRCh37 (hg19) VCF-style: chr11-5246875-TCTGATAGGCAGCCTGCA-T.
Other names: c.380_396delTGCAGGCTGCCTATCAG (NM_000518.5); c.380_396del17 (NM_000518.5, NM_000518.4); short protein forms V127fs.
Identifiers: ClinVar variation 1459872 (VCV001459872.11), dbSNP rs750606223, ClinGen allele CA5839693.